The following is an entry in ClinVar:

NM_152641.4(ARID2):c.1580+6T>G

Gene: ARID2 (AT-rich interaction domain 2; plus strand). Cytogenetic location: 12q12.
Variant type: single nucleotide variant.
Coding change: c.1580+6T>G on transcript NM_152641.4 (MANE Select); 6 bases into the intron after coding-DNA position 1580, T replaced by G.
Molecular consequence: intron variant.
Genome position (GRCh38, 1-based): chr12:45,846,943, T>G. VCF-style: chr12-45846943-T-G. GRCh37 (hg19) VCF-style: chr12-46240726-T-G.
Other names: c.1580+6T>G (NM_001347839.2).
Identifiers: ClinVar variation 2725415 (VCV002725415.3), dbSNP rs2138150818, ClinGen allele CA2697559167.
Genomic context (GRCh38, chr12:45,846,943, plus strand): 5'-TTGCTCCACCTCCAGGAATAGTGGAAATAGATAGTGAGAAGTTTGCTTGTCAGTGGTAAG[T>G]GGTTTATTTCTATTAAGGATTTATCCTTGGGAGGAGTAAAGCAAAGAAAAAAAGGAAATG-3'

ClinVar aggregate classification (germline): Uncertain significance (1 of 4 stars; one submission).

Submission:

Labcorp Genetics (formerly Invitae), Labcorp
Classification: Uncertain significance. Last evaluated: 2023-06-01. Review status: criteria provided, single submitter. Criteria: Invitae Variant Classification Sherloc (09022015). Collection method: clinical testing. Allele origin: germline.
Comment: This variant is not present in population databases (gnomAD no frequency). In summary, the available evidence is currently insufficient to determine the role of this variant in disease. Therefore, it has been classified as a Variant of Uncertain Significance. Variants that disrupt the consensus splice site are a relatively common cause of aberrant splicing (PMID: 17576681, 9536098). This variant has not been reported in the literature in individuals affected with ARID2-related conditions. This sequence change falls in intron 12 of the ARID2 gene. It does not directly change the encoded amino acid sequence of the ARID2 protein. It affects a nucleotide within the consensus splice site.

Literature cited by the submitters: PubMed 17576681; PubMed 9536098.